The following is an entry in ClinVar:

NM_033305.3(VPS13A):c.8225A>G (p.His2742Arg)

Gene: VPS13A (vacuolar protein sorting 13 homolog A; plus strand). Cytogenetic location: 9q21.2.
Variant type: single nucleotide variant.
Coding change: c.8225A>G on transcript NM_033305.3 (MANE Select); coding-DNA position 8225, A replaced by G.
Protein change: p.His2742Arg; replaces histidine 2742 with arginine.
Molecular consequence: missense variant.
Genome position (GRCh38, 1-based): chr9:77,365,473, A>G. VCF-style: chr9-77365473-A-G. GRCh37 (hg19) VCF-style: chr9-79980389-A-G.
Other names: c.8108A>G, p.His2703Arg (NM_001018037.2); c.8225A>G, p.His2742Arg (NM_001018038.3, NM_015186.4); short protein forms H2742R, H2703R.
Identifiers: ClinVar variation 448872 (VCV000448872.9), dbSNP rs145686832, ClinGen allele CA5093583.

ClinVar aggregate classification (germline): Conflicting classifications of pathogenicity. Review status: criteria provided, conflicting classifications (1 of 4 stars). 5 submissions from 5 submitters: Uncertain significance (4); Likely benign (1). Last evaluated 2024-11-10.

Conditions:
Inborn genetic diseases. Identifiers: MedGen C0950123, MeSH D030342.
VPS13A-related neurodegenerative disease. Also called: LEVINE-CRITCHLEY SYNDROME; Choreoacanthocytosis; VPS13A Disease; Chorea-acanthocytosis; ACANTHOCYTOSIS WITH NEUROLOGIC DISORDER; Choreaacanthocytosis. Identifiers: Orphanet 2388, MedGen C0393576, MONDO:0008695, OMIM 200150.

Allele frequency attached by ClinVar (database versions not stated): TOPMed 0.00019; 1000 Genomes Project 0.00020; gnomAD 0.00026; 1000 Genomes Project 30x 0.00031; ESP Exome Variant Server 0.00054.
gnomAD v4.1: 89 of 1,607,724 alleles (0.0055%); highest among the groups gnomAD compares: African/African-American, 0.096%; no homozygotes.

Submissions (5):

Ambry Genetics
Classification: Likely benign for Inborn genetic diseases. Last evaluated: 2024-11-10. Review status: criteria provided, single submitter. Criteria: Ambry Variant Classification Scheme 2023. Collection method: clinical testing. Allele origin: germline.

Labcorp Genetics (formerly Invitae), Labcorp
Classification: Uncertain significance. Last evaluated: 2024-10-22. Review status: criteria provided, single submitter. Criteria: Invitae Variant Classification Sherloc (09022015). Collection method: clinical testing. Allele origin: germline.
Comment: This sequence change replaces histidine, which is basic and polar, with arginine, which is basic and polar, at codon 2742 of the VPS13A protein (p.His2742Arg). This variant is present in population databases (rs145686832, gnomAD 0.1%). This variant has not been reported in the literature in individuals affected with VPS13A-related conditions. ClinVar contains an entry for this variant (Variation ID: 448872). Invitae Evidence Modeling of protein sequence and biophysical properties (such as structural, functional, and spatial information, amino acid conservation, physicochemical variation, residue mobility, and thermodynamic stability) indicates that this missense variant is not expected to disrupt VPS13A protein function with a negative predictive value of 80%. In summary, the available evidence is currently insufficient to determine the role of this variant in disease. Therefore, it has been classified as a Variant of Uncertain Significance.

GeneDx
Classification: Uncertain significance. Last evaluated: 2023-08-07. Review status: criteria provided, single submitter. Criteria: GeneDx Variant Classification Process June 2021. Collection method: clinical testing. Allele origin: germline. Affected: yes.
Comment: In silico analysis supports that this missense variant does not alter protein structure/function; Has not been previously published as pathogenic or benign to our knowledge

Fulgent Genetics
Classification: Uncertain significance for VPS13A-related neurodegenerative disease. Last evaluated: 2021-07-29. Review status: criteria provided, single submitter. Criteria: ACMG Guidelines, 2015. Collection method: clinical testing. Allele origin: unknown.

Athena Diagnostics
Classification: Uncertain significance. Last evaluated: 2016-11-23. Review status: criteria provided, single submitter. Criteria: Athena Diagnostics Criteria. Collection method: clinical testing. Allele origin: germline.